The following is an entry in ClinVar:

NM_033004.4(NLRP1):c.2842C>T (p.His948Tyr)

Gene: NLRP1 (NLR family pyrin domain containing 1; minus strand). Cytogenetic location: 17p13.2.
Variant type: single nucleotide variant.
Coding change: c.2842C>T on transcript NM_033004.4 (MANE Select); coding-DNA position 2842, C replaced by T.
Protein change: p.His948Tyr; replaces histidine 948 with tyrosine.
Molecular consequence: missense variant.
Genome position (GRCh38, 1-based): chr17:5,539,443, G>A on the plus strand (C>T on the coding strand, the complement: NLRP1 is on the minus strand). VCF-style: chr17-5539443-G-A. GRCh37 (hg19) VCF-style: chr17-5442763-G-A.
Other names: c.2842C>T, p.His948Tyr (NM_001033053.3, NM_014922.5, NM_033006.4 and 1 more transcripts); short protein forms H948Y.
Identifiers: ClinVar variation 1318582 (VCV001318582.7), dbSNP rs200723981, ClinGen allele CA8327047.

ClinVar aggregate classification (germline): Uncertain significance. Review status: criteria provided, multiple submitters, no conflicts (2 of 4 stars). 2 submissions from 2 submitters: Uncertain significance (2). Last evaluated 2025-10-18.

Allele frequency attached by ClinVar (database versions not stated): gnomAD 0.00005 and 0.00006; gnomAD exomes 0.00005 and 0.00012; TOPMed 0.00006; ExAC 0.00007; ESP Exome Variant Server 0.00008.
gnomAD v4.1: 185 of 1,613,722 alleles (0.011%); highest among the groups gnomAD compares: Non-Finnish European, 0.015%; no homozygotes.

Submissions (2):

Labcorp Genetics (formerly Invitae), Labcorp
Classification: Uncertain significance. Last evaluated: 2025-10-18. Review status: criteria provided, single submitter. Criteria: Invitae Variant Classification Sherloc (09022015). Collection method: clinical testing. Allele origin: germline.
Comment: This sequence change replaces histidine, which is basic and polar, with tyrosine, which is neutral and polar, at codon 948 of the NLRP1 protein (p.His948Tyr). This variant is present in population databases (rs200723981, gnomAD 0.01%). This variant has not been reported in the literature in individuals affected with NLRP1-related conditions. ClinVar contains an entry for this variant (Variation ID: 1318582). An algorithm developed to predict the effect of missense changes on protein structure and function (PolyPhen-2) suggests that this variant is likely to be tolerated. Algorithms developed to predict the effect of sequence changes on RNA splicing suggest that this variant may create or strengthen a splice site. In summary, the available evidence is currently insufficient to determine the role of this variant in disease. Therefore, it has been classified as a Variant of Uncertain Significance.

GeneDx
Classification: Uncertain significance. Last evaluated: 2019-12-23. Review status: criteria provided, single submitter. Criteria: GeneDx Variant Classification Process June 2021. Collection method: clinical testing. Allele origin: germline. Affected: yes.
Comment: In silico analysis, which includes protein predictors and evolutionary conservation, supports a deleterious effect; Has not been previously published as pathogenic or benign to our knowledge